The following is an entry in ClinVar:

NM_002332.3(LRP1):c.10090G>T (p.Asp3364Tyr)

Gene: LRP1 (LDL receptor related protein 1; plus strand). Cytogenetic location: 12q13.3.
Variant type: single nucleotide variant.
Coding change: c.10090G>T on transcript NM_002332.3 (MANE Select); coding-DNA position 10090, G replaced by T.
Protein change: p.Asp3364Tyr; replaces aspartic acid 3364 with tyrosine.
Molecular consequence: missense variant.
Genome position (GRCh38, 1-based): chr12:57,200,517, G>T. VCF-style: chr12-57200517-G-T. GRCh37 (hg19) VCF-style: chr12-57594300-G-T.
Other names: short protein forms D3364Y.
Identifiers: ClinVar variation 4976648 (VCV004976648.1).

ClinVar aggregate classification (germline): Uncertain significance (1 of 4 stars; one submission).

Submission:

GeneDx
Classification: Uncertain significance. Last evaluated: 2023-06-30. Review status: criteria provided, single submitter. Criteria: GeneDx Variant Classification Process June 2021. Collection method: clinical testing. Allele origin: germline.
Comment: Not observed at significant frequency in large population cohorts (gnomAD); In silico analysis supports that this missense variant has a deleterious effect on protein structure/function; Has not been previously published as pathogenic or benign to our knowledge; Variants in candidate genes are classified as variants of uncertain significance in accordance with ACMG guidelines (Richards et al., 2015)